The following is an entry in ClinVar:

NM_003242.6(TGFBR2):c.263+7A>G

Gene: TGFBR2 (transforming growth factor beta receptor 2; plus strand). Cytogenetic location: 3p24.1.
Variant type: single nucleotide variant.
Coding change: c.263+7A>G on transcript NM_003242.6 (MANE Select); 7 bases into the intron after coding-DNA position 263, A replaced by G.
Molecular consequence: intron variant.
Genome position (GRCh38, 1-based): chr3:30,644,922, A>G. VCF-style: chr3-30644922-A-G. GRCh37 (hg19) VCF-style: chr3-30686414-A-G.
Other names: p.?; c.158+7A>G (NM_001407136.1, NM_001407133.1, NM_001407135.1 and 3 more transcripts); c.338+7A>G (NM_001407126.1, NM_001024847.3, NM_001407139.1); c.169+21649A>G (NM_001407137.1); c.263+7A>G (NM_001407127.1, NM_001407130.1); c.95-26716A>G (NM_001407138.1); c.290+7A>G (NM_001407128.1).
Identifiers: ClinVar variation 36867 (VCV000036867.46), dbSNP rs1155705, ClinGen allele CA020758.

ClinVar aggregate classification (germline): Benign. Review status: criteria provided, multiple submitters, no conflicts (2 of 4 stars). 19 submissions from 19 submitters: Benign (14). 5 of the submissions do not count toward it. Last evaluated 2026-02-04.

Conditions:
Thoracic aortic aneurysm. Also called: Aneurysm of thoracic aorta. Identifiers: MedGen C0162872, MONDO:0005396, HP:0012727.
Loeys-Dietz syndrome (LDS). Identifiers: Orphanet 60030, MedGen C2697932, MONDO:0018954.
Familial thoracic aortic aneurysm and aortic dissection (TAAD). Also called: Thoracic aortic aneurysms and dissections. Identifiers: Orphanet 91387, MedGen C4707243, MONDO:0019625.
Loeys-Dietz syndrome 2 (LDS2). Also called: TGFBR2-Related Loeys-Dietz Syndrome; Marfan Syndrome type 2; Marfan like connective tissue disorder; MFS 2; AORTIC ANEURYSM, FAMILIAL THORACIC 3; MARFAN SYNDROME, TYPE II. Identifiers: Orphanet 284973, Orphanet 558, MedGen C2674574, MONDO:0012427, OMIM 610168.

Allele frequency attached by ClinVar (database versions not stated): ESP Exome Variant Server 0.32154; TOPMed 0.34212; gnomAD 0.34308 and 0.34810; gnomAD exomes 0.34342 and 0.37006; ExAC 0.37255; 1000 Genomes Project 30x 0.40443; 1000 Genomes Project 0.41294.

Submissions (19):

Labcorp Genetics (formerly Invitae), Labcorp
Classification: Benign for Familial thoracic aortic aneurysm and aortic dissection. Last evaluated: 2026-02-04. Review status: criteria provided, single submitter. Criteria: Invitae Variant Classification Sherloc (09022015). Collection method: clinical testing. Allele origin: germline.

Molecular Diagnostic Laboratory for Inherited Cardiovascular Disease, Montreal Heart Institute
Classification: Benign. Last evaluated: 2025-04-09. Review status: criteria provided, single submitter. Criteria: ACMG Guidelines, 2015. Collection method: clinical testing. Allele origin: germline. Affected: no.

Blueprint Genetics
Classification: Benign. Last evaluated: 2024-11-26. Review status: criteria provided, single submitter. Criteria: ACMG Guidelines, 2015. Collection method: clinical testing. Allele origin: germline.

Unidad de Genómica Garrahan, Hospital de Pediatría Garrahan
Classification: Benign. Last evaluated: 2024-01-24. Review status: criteria provided, single submitter. Criteria: ACMG Guidelines, 2015. Collection method: clinical testing. Allele origin: germline. Affected: no. Observed: 49 variant alleles.
Comment: This variant is classified as Benign based on local population frequency. This variant was detected in 56% of patients studied by a panel of primary immunodeficiencies. Number of patients: 49. Only high quality variants are reported.

Mayo Clinic Laboratories, Mayo Clinic
Classification: Benign. Last evaluated: 2022-09-06. Review status: criteria provided, single submitter. Criteria: ACMG Guidelines, 2015. Collection method: clinical testing. Allele origin: germline. Observed: 1,168 variant alleles.

Genome-Nilou Lab
Classification: Benign for Loeys-Dietz syndrome 2. Last evaluated: 2021-09-10. Review status: criteria provided, single submitter. Criteria: ACMG Guidelines, 2015. Collection method: clinical testing. Allele origin: germline. Affected: no.

ARUP Laboratories, Molecular Genetics and Genomics, ARUP Laboratories
Classification: Benign. Last evaluated: 2021-08-14. Review status: criteria provided, single submitter. Criteria: ARUP Molecular Germline Variant Investigation Process 2021. Collection method: clinical testing. Allele origin: germline.

CHEO Genetics Diagnostic Laboratory, Children's Hospital of Eastern Ontario
Classification: Benign for Familial thoracic aortic aneurysm and aortic dissection. Last evaluated: 2019-05-09. Review status: criteria provided, single submitter. Criteria: ACMG Guidelines, 2015. Collection method: clinical testing. Allele origin: germline.

Illumina Laboratory Services, Illumina
Classification: Benign for Loeys-Dietz syndrome 2. Last evaluated: 2018-01-13. Review status: criteria provided, single submitter. Criteria: ICSL Variant Classification Criteria 13 December 2019. Collection method: clinical testing. Allele origin: germline.
Comment: This variant was observed in the ICSL laboratory as part of a predisposition screen in an ostensibly healthy population. It had not been previously curated by ICSL or reported in the Human Gene Mutation Database (HGMD: prior to June 1st, 2018), and was therefore a candidate for classification through an automated scoring system. Utilizing variant allele frequency, disease prevalence and penetrance estimates, and inheritance mode, an automated score was calculated to assess if this variant is too frequent to cause the disease. Based on the score and internal cut-off values, a variant classified as benign is not then subjected to further curation. The score for this variant resulted in a classification of benign for this disease.

GeneDx
Classification: Benign. Last evaluated: 2012-11-01. Review status: criteria provided, single submitter. Criteria: GeneDx Variant Classification (06012015). Collection method: clinical testing. Allele origin: germline. Affected: yes.
Comment: This variant is considered likely benign or benign based on one or more of the following criteria: it is a conservative change, it occurs at a poorly conserved position in the protein, it is predicted to be benign by multiple in silico algorithms, and/or has population frequency not consistent with disease.

Women's Health and Genetics/Laboratory Corporation of America, LabCorp
Classification: Benign for Loeys-Dietz Syndrome. Last evaluated: 2011-08-18. Review status: criteria provided, single submitter. Criteria: LabCorp Variant Classification Summary - May 2015. Collection method: curation, clinical testing. Allele origin: germline. Inheritance: autosomal unknown. Affected: yes. Observed: 1 variant allele.
ClinVar note: Converted during submission from benign to Benign.

Laboratory for Molecular Medicine, Mass General Brigham Personalized Medicine
Classification: Benign. Last evaluated: 2007-05-07. Review status: criteria provided, single submitter. Criteria: LMM Criteria. Collection method: clinical testing. Allele origin: germline. Observed: 296 variant alleles.

Breakthrough Genomics
Classification: Benign. Review status: criteria provided, single submitter. Criteria: ACMG Guidelines, 2015. Collection method: not provided. Allele origin: germline. Inheritance: Autosomal dominant inheritance. Affected: yes.

PreventionGenetics, part of Exact Sciences
Classification: Benign. Review status: criteria provided, single submitter. Criteria: ACMG Guidelines, 2015. Collection method: clinical testing. Allele origin: germline.

Cohesion Phenomics
Classification: Benign for Thoracic aortic aneurysm. Last evaluated: 2022-09-23. Review status: no assertion criteria provided. Criteria: ACMG Guidelines, 2015. Collection method: clinical testing. Allele origin: germline. Affected: yes. Not counted in ClinVar's aggregate classification.

Clinical Genetics DNA and cytogenetics Diagnostics Lab, Erasmus MC, Erasmus Medical Center
Classification: Benign. Review status: no assertion criteria provided. Collection method: clinical testing. Allele origin: germline. Affected: yes. Study: VKGL Data-share Consensus. Not counted in ClinVar's aggregate classification.

Diagnostic Laboratory, Department of Genetics, University Medical Center Groningen
Classification: Benign. Review status: no assertion criteria provided. Collection method: clinical testing. Allele origin: germline. Affected: yes. Study: VKGL Data-share Consensus. Not counted in ClinVar's aggregate classification.

Genome Diagnostics Laboratory, Amsterdam University Medical Center
Classification: Benign. Review status: no assertion criteria provided. Collection method: clinical testing. Allele origin: germline. Affected: yes. Study: VKGL Data-share Consensus. Not counted in ClinVar's aggregate classification.

Joint Genome Diagnostic Labs from Nijmegen and Maastricht, Radboudumc and MUMC+
Classification: Benign. Review status: no assertion criteria provided. Collection method: clinical testing. Allele origin: germline. Affected: yes. Study: VKGL Data-share Consensus. Not counted in ClinVar's aggregate classification.

Literature cited by the submitters: PubMed 16249459 (cited by Women's Health and Genetics/Laboratory Corporation of America, LabCorp); PubMed 12825850 (cited by Women's Health and Genetics/Laboratory Corporation of America, LabCorp); PubMed 9771922 (cited by Women's Health and Genetics/Laboratory Corporation of America, LabCorp); PubMed 17345643 (cited by Women's Health and Genetics/Laboratory Corporation of America, LabCorp); PubMed 16251899 (cited by Women's Health and Genetics/Laboratory Corporation of America, LabCorp and Laboratory for Molecular Medicine, Mass General Brigham Personalized Medicine); PubMed 19006214 (cited by Women's Health and Genetics/Laboratory Corporation of America, LabCorp); PubMed 19875893 (cited by Women's Health and Genetics/Laboratory Corporation of America, LabCorp); PubMed 18781618 (cited by Women's Health and Genetics/Laboratory Corporation of America, LabCorp).